The following is an entry in ClinVar:

NM_000257.4(MYH7):c.3337-30_3337-18del

Gene: MYH7 (myosin heavy chain 7; minus strand). Cytogenetic location: 14q11.2.
Variant type: Deletion.
Coding change: c.3337-30_3337-18del on transcript NM_000257.4 (MANE Select); 30 bases into the intron before coding-DNA position 3337 through 18 bases into the intron before coding-DNA position 3337, 13 bases deleted (GGTGGGTCTGAGC).
Molecular consequence: intron variant.
Genome position (GRCh38, 1-based): chr14:23,420,252-23,420,264, GCTCAGACCCACC deleted on the plus strand (GGTGGGTCTGAGC on the coding strand, the reverse complement: MYH7 is on the minus strand); deleting any 13 consecutive bases within chr14:23,420,252-23,420,266 gives the same sequence; the c. name uses the placement nearest the transcript's 3' end. VCF-style (leftmost placement, unchanged base first): chr14-23420251-GGCTCAGACCCACC-G. GRCh37 (hg19) VCF-style: chr14-23889460-GGCTCAGACCCACC-G.
Other names: c.3337-30_3337-18del13 (NM_000257.4).
Identifiers: ClinVar variation 2045140 (VCV002045140.5), dbSNP rs1270186626, ClinGen allele CA704288953.

ClinVar aggregate classification (germline): Conflicting classifications of pathogenicity. Review status: criteria provided, conflicting classifications (1 of 4 stars). 2 submissions from 2 submitters: Uncertain significance (1); Likely benign (1). Last evaluated 2025-05-17.

Conditions:
Hypertrophic cardiomyopathy. Also called: HYPERTROPHIC MYOCARDIOPATHY. Identifiers: Orphanet 217569, MedGen C0007194, MeSH D002312, MONDO:0005045, HP:0001639.

Submissions (2):

Labcorp Genetics (formerly Invitae), Labcorp
Classification: Uncertain significance for Hypertrophic cardiomyopathy. Last evaluated: 2025-05-17. Review status: criteria provided, single submitter. Criteria: Invitae Variant Classification Sherloc (09022015). Collection method: clinical testing. Allele origin: germline.
Comment: This sequence change falls in intron 26 of the MYH7 gene. It does not directly change the encoded amino acid sequence of the MYH7 protein. This variant is not present in population databases (gnomAD no frequency). This variant has not been reported in the literature in individuals affected with MYH7-related conditions. ClinVar contains an entry for this variant (Variation ID: 2045140). Algorithms developed to predict the effect of sequence changes on RNA splicing suggest that this variant may disrupt the consensus splice site. In summary, the available evidence is currently insufficient to determine the role of this variant in disease. Therefore, it has been classified as a Variant of Uncertain Significance.

Women's Health and Genetics/Laboratory Corporation of America, LabCorp
Classification: Likely benign. Last evaluated: 2024-10-08. Review status: criteria provided, single submitter. Criteria: LabCorp Variant Classification Summary - May 2015. Collection method: clinical testing. Allele origin: germline.
Comment: Variant summary: MYH7 c.3337-30_3337-18del13 alters a nucleotide located at a position not widely known to affect splicing. Consensus agreement among computation tools predict no significant impact on normal splicing. However, these predictions have yet to be confirmed by functional studies. The variant was absent in 239516 control chromosomes. The available data on variant occurrences in the general population are insufficient to allow any conclusion about variant significance. To our knowledge, no occurrence of c.3337-30_3337-18del13 in individuals affected with Cardiomyopathy and no experimental evidence demonstrating its impact on protein function have been reported. ClinVar contains an entry for this variant (Variation ID: 2045140). Based on the evidence outlined above, the variant was classified as likely benign.